The following is an entry in ClinVar:

NM_000218.3(KCNQ1):c.624delinsTT (p.Ser209fs)

Gene: KCNQ1 (potassium voltage-gated channel subfamily Q member 1; plus strand). Cytogenetic location: 11p15.5.
Variant type: Indel.
Coding change: c.624delinsTT on transcript NM_000218.3 (MANE Select); coding-DNA position 624, C replaced by TT.
Protein change: p.Ser209fs; shifts the reading frame from serine 209.
Molecular consequence: frameshift variant. On other transcripts: intron variant (1).
Genome position (GRCh38, 1-based): chr11:2,571,344, C replaced by TT. VCF-style: chr11-2571344-C-TT. GRCh37 (hg19) VCF-style: chr11-2592574-C-TT.
Other names: c.624delinsTT, p.Ser209fs (NM_001406836.1); c.354delinsTT, p.Ser119fs (NM_001406837.1); c.243delinsTT, p.Ser82fs (NM_181798.2); c.478-12091delinsTT (NM_001406838.1); short protein forms S82fs, S209fs, S119fs.
Identifiers: ClinVar variation 3862988 (VCV003862988.1).

ClinVar aggregate classification (germline): Pathogenic (1 of 4 stars; one submission).

Conditions:
Cardiovascular phenotype. Identifiers: MedGen CN230736.

Submission:

Ambry Genetics
Classification: Pathogenic for Cardiovascular phenotype. Last evaluated: 2025-02-24. Review status: criteria provided, single submitter. Criteria: Ambry Variant Classification Scheme 2023. Collection method: clinical testing. Allele origin: germline.
Comment: The c.624delCinsTT pathogenic mutation, located in coding exon 4 of the KCNQ1 gene, results from the deletion of one nucleotide and insertion of two nucleotides causing a translational frameshift with a predicted alternate stop codon (p.S209Ffs*76). This variant is considered to be rare based on population cohorts in the Genome Aggregation Database (gnomAD). This alteration is expected to result in loss of function by premature protein truncation or nonsense-mediated mRNA decay. As such, this alteration is interpreted as a disease-causing mutation.